The following is an entry in ClinVar:

ClinVar aggregate classification (germline): Uncertain significance (1 of 4 stars; one submission).

Conditions:
Alstrom syndrome (ALMS). Identifiers: Orphanet 64, MedGen C0268425, MONDO:0008763, OMIM 203800.

Submission:

Labcorp Genetics (formerly Invitae), Labcorp
Classification: Uncertain significance for Alstrom syndrome. Last evaluated: 2021-11-29. Review status: criteria provided, single submitter. Criteria: Invitae Variant Classification Sherloc (09022015). Collection method: clinical testing. Allele origin: germline.
Comment: In summary, the available evidence is currently insufficient to determine the role of this variant in disease. Therefore, it has been classified as a Variant of Uncertain Significance. This variant has not been reported in the literature in individuals affected with ALMS1-related conditions. This variant is not present in population databases (gnomAD no frequency). This sequence change affects codon 3966 of the ALMS1 mRNA. It is a 'silent' change, meaning that it does not change the encoded amino acid sequence of the ALMS1 protein. Algorithms developed to predict the effect of sequence changes on RNA splicing suggest that this variant may create or strengthen a splice site.

NM_001378454.1(ALMS1):c.11895G>A (p.Val3965=)

Genes: ALMS1 (ALMS1 centrosome and basal body associated protein; plus strand), LOC126806252 (BRD4-independent group 4 enhancer GRCh37_chr2:73828496-73829695; plus strand). Cytogenetic location: 2p13.1.
Variant type: single nucleotide variant.
Coding change: c.11895G>A on transcript NM_001378454.1 (MANE Select); coding-DNA position 11895, G replaced by A.
Protein change: p.Val3965=; no amino-acid change (valine 3965 retained).
Molecular consequence: synonymous variant.
Genome position (GRCh38, 1-based): chr2:73,601,217, G>A. VCF-style: chr2-73601217-G-A. GRCh37 (hg19) VCF-style: chr2-73828344-G-A.
Other names: c.11898G>A, p.Val3966= (NM_015120.4).
Identifiers: ClinVar variation 1491679 (VCV001491679.6), dbSNP rs2104195453, ClinGen allele CA426783494.
Genomic context (GRCh38, chr2:73,601,217, plus strand): 5'-GAAAAATCTGTGTTCCTTCTAAAAACTGTTTCCTGTAGGAGTTTCCTGGTTTGTTCCTGT[G>A]GAAAATGTGGAGTCTAGATCAAAGAAGGAAAACGTGCCTAACACTTGTGGCCCTGGCATC-3'
Protein context (NP_001365383.1, residues 3955-3975): SHEGVSWFVP[Val3965=]ENVESRSKKE